The following is an entry in ClinVar:

NM_002742.3(PRKD1):c.1356C>T (p.Thr452=)

Gene: PRKD1 (protein kinase D1; minus strand). Cytogenetic location: 14q12.
Variant type: single nucleotide variant.
Coding change: c.1356C>T on transcript NM_002742.3 (MANE Select); coding-DNA position 1356, C replaced by T.
Protein change: p.Thr452=; no amino-acid change (threonine 452 retained).
Molecular consequence: synonymous variant.
Genome position (GRCh38, 1-based): chr14:29,632,905, G>A on the plus strand (C>T on the coding strand, the complement: PRKD1 is on the minus strand). VCF-style: chr14-29632905-G-A. GRCh37 (hg19) VCF-style: chr14-30102111-G-A.
Other names: c.1380C>T, p.Thr460= (NM_001330069.2); c.1092C>T, p.Thr364= (NM_001348390.1); c.1380C>T (NM_001330069.1).
Identifiers: ClinVar variation 788801 (VCV000788801.32), dbSNP rs147948478, ClinGen allele CA7141184.
Genomic context (GRCh38, chr14:29,632,905, plus strand): 5'-TACAAAGAAAGAGCCCACTCTTACCTTGTAGTACCTGCTTCCTGTGTCATTCTGAAAGAG[G>A]GTAATACATTTGCTATCCAATCTCCAATAGTGCCGTTTCCGCTGAAACAGAAGTTAGATC-3'
Protein context (NP_002733.2, residues 442-462): HYWRLDSKCI[Thr452=]LFQNDTGSRY

ClinVar aggregate classification (germline): Conflicting classifications of pathogenicity. Review status: criteria provided, conflicting classifications (1 of 4 stars). 5 submissions from 5 submitters: Uncertain significance (1); Benign (1); Likely benign (2). 1 of the submissions does not count toward it. Last evaluated 2024-07-15.

Conditions:
PRKD1-related disorder. Also called: PRKD1-related condition.

Allele frequency attached by ClinVar (database versions not stated): gnomAD exomes 0.00016 and 0.00047; ExAC 0.00056; 1000 Genomes Project 0.00160; gnomAD 0.00170 and 0.00185; 1000 Genomes Project 30x 0.00172; TOPMed 0.00172; ESP Exome Variant Server 0.00200.
gnomAD v4.1: 504 of 1,613,646 alleles (0.031%); highest among the groups gnomAD compares: African/African-American, 0.57%; 2 homozygotes.

Submissions (5):

Blueprint Genetics
Classification: Likely benign. Last evaluated: 2024-07-15. Review status: criteria provided, single submitter. Criteria: ACMG Guidelines, 2015. Collection method: clinical testing. Allele origin: germline.

CeGaT Center for Human Genetics Tuebingen
Classification: Likely benign. Last evaluated: 2023-09-01. Review status: criteria provided, single submitter. Criteria: CeGaT Center For Human Genetics Tuebingen Variant Classification Criteria Version 2. Collection method: clinical testing. Allele origin: germline. Affected: yes. Observed: 1 variant allele.
Comment: PRKD1: BS1

GeneDx
Classification: Uncertain significance. Last evaluated: 2022-09-08. Review status: criteria provided, single submitter. Criteria: GeneDx Variant Classification Process June 2021. Collection method: clinical testing. Allele origin: germline. Affected: yes.
Comment: In silico analysis suggests this variant may impact gene splicing. In the absence of RNA/functional studies, the actual effect of this sequence change is unknown.; Has not been previously published as pathogenic or benign to our knowledge

Labcorp Genetics (formerly Invitae), Labcorp
Classification: Benign. Last evaluated: 2019-12-31. Review status: criteria provided, single submitter. Criteria: Invitae Variant Classification Sherloc (09022015). Collection method: clinical testing. Allele origin: germline.

PreventionGenetics, part of Exact Sciences
Classification: Likely benign for PRKD1-related condition. Last evaluated: 2019-07-17. Review status: no assertion criteria provided. Collection method: clinical testing. Allele origin: germline. Not counted in ClinVar's aggregate classification.
Comment: This variant is classified as likely benign based on ACMG/AMP sequence variant interpretation guidelines (Richards et al. 2015 PMID: 25741868, with internal and published modifications).